The following is an entry in ClinVar:

NM_005214.5(CTLA4):c.313G>A (p.Gly105Ser)

Gene: CTLA4 (cytotoxic T-lymphocyte associated protein 4; plus strand). Cytogenetic location: 2q33.2.
Variant type: single nucleotide variant.
Coding change: c.313G>A on transcript NM_005214.5 (MANE Select); coding-DNA position 313, G replaced by A.
Protein change: p.Gly105Ser; replaces glycine 105 with serine.
Molecular consequence: missense variant.
Genome position (GRCh38, 1-based): chr2:203,870,789, G>A. VCF-style: chr2-203870789-G-A. GRCh37 (hg19) VCF-style: chr2-204735512-G-A.
Other names: c.313G>A, p.Gly105Ser (NM_001037631.3); short protein forms G105S.
Identifiers: ClinVar variation 4686991 (VCV004686991.1).

ClinVar aggregate classification (germline): Uncertain significance (1 of 4 stars; one submission).

Submission:

GeneDx
Classification: Uncertain significance. Last evaluated: 2025-07-22. Review status: criteria provided, single submitter. Criteria: GeneDx Variant Classification Process June 2021. Collection method: clinical testing. Allele origin: germline. Affected: yes.
Comment: Not observed at significant frequency in large population cohorts (gnomAD); In silico analysis supports that this missense variant has a deleterious effect on protein structure/function; Has not been previously published as pathogenic or benign to our knowledge